The following is an entry in ClinVar:

ClinVar aggregate classification (germline): Benign. Review status: criteria provided, multiple submitters, no conflicts (2 of 4 stars). 3 submissions from 3 submitters: Benign (3). Last evaluated 2026-09-01.

Allele frequency attached by ClinVar (database versions not stated): 1000 Genomes Project 30x 0.00297; 1000 Genomes Project 0.00339; TOPMed 0.00688; gnomAD 0.00739 and 0.00743; ESP Exome Variant Server 0.00807; gnomAD exomes 0.00828 and 0.01076; ExAC 0.00883.
gnomAD v4.1: 16,741 of 1,614,156 alleles (1%); highest among the groups gnomAD compares: Non-Finnish European, 1.2%; 115 homozygotes.

Submissions (3):

CeGaT Center for Human Genetics Tuebingen
Classification: Benign. Last evaluated: 2026-09-01. Review status: criteria provided, single submitter. Criteria: CeGaT Center For Human Genetics Tuebingen Variant Classification Criteria Version 2. Collection method: clinical testing. Allele origin: germline. Affected: yes. Observed: 43 variant alleles.
Comment: CHD3: BP4, BP7, BS1, BS2

Labcorp Genetics (formerly Invitae), Labcorp
Classification: Benign. Last evaluated: 2019-12-31. Review status: criteria provided, single submitter. Criteria: Invitae Variant Classification Sherloc (09022015). Collection method: clinical testing. Allele origin: germline.

Breakthrough Genomics
Classification: Benign. Review status: criteria provided, single submitter. Criteria: ACMG Guidelines, 2015. Collection method: not provided. Allele origin: germline. Inheritance: Autosomal dominant inheritance. Affected: yes.

NM_001005273.3(CHD3):c.3825C>T (p.Asp1275=)

Gene: CHD3 (chromodomain helicase DNA binding protein 3; plus strand). Cytogenetic location: 17p13.1.
Variant type: single nucleotide variant.
Coding change: c.3825C>T on transcript NM_001005273.3 (MANE Select); coding-DNA position 3825, C replaced by T.
Protein change: p.Asp1275=; no amino-acid change (aspartic acid 1275 retained).
Molecular consequence: synonymous variant.
Genome position (GRCh38, 1-based): chr17:7,903,922, C>T. VCF-style: chr17-7903922-C-T. GRCh37 (hg19) VCF-style: chr17-7807240-C-T.
Other names: c.4002C>T, p.Asp1334= (NM_001005271.3); c.3825C>T, p.Asp1275= (NM_005852.4).
Identifiers: ClinVar variation 770796 (VCV000770796.36), dbSNP rs61744840, ClinGen allele CA8363163.